The following is an entry in ClinVar:

ClinVar aggregate classification (germline): Conflicting classifications of pathogenicity. Review status: criteria provided, conflicting classifications (1 of 4 stars). 10 submissions from 10 submitters: Uncertain significance (8); Likely benign (1). 1 of the submissions does not count toward it. Last evaluated 2026-02-01.

Conditions:
Inborn genetic diseases. Identifiers: MedGen C0950123, MeSH D030342.
Autoinflammatory syndrome. Identifiers: Orphanet 93665, MedGen C3890737, MONDO:0019751.
LYST-related disorder. Also called: LYST-related condition.
Meniere disease. Also called: Ménière's disease. Identifiers: MedGen C0025281, MONDO:0007972, OMIM 156000.
Chédiak-Higashi syndrome (CHS). Also called: Chediak-Higashi Syndrome. Identifiers: Orphanet 167, MedGen C0007965, MONDO:0008963, OMIM 214500.

Allele frequency attached by ClinVar (database versions not stated): gnomAD 0.00004; TOPMed 0.00006; ExAC 0.00007; gnomAD exomes 0.00008 and 0.00009.
gnomAD v4.1: 138 of 1,613,800 alleles (0.0086%); highest among the groups gnomAD compares: Middle Eastern, 0.68%; 1 homozygote.

Submissions (10):

Labcorp Genetics (formerly Invitae), Labcorp
Classification: Uncertain significance for Chédiak-Higashi syndrome. Last evaluated: 2026-02-01. Review status: criteria provided, single submitter. Criteria: Invitae Variant Classification Sherloc (09022015). Collection method: clinical testing. Allele origin: germline.
Comment: This sequence change replaces asparagine, which is neutral and polar, with histidine, which is basic and polar, at codon 1569 of the LYST protein (p.Asn1569His). This variant is present in population databases (rs767687843, gnomAD 0.01%). This variant has not been reported in the literature in individuals affected with LYST-related conditions. ClinVar contains an entry for this variant (Variation ID: 296395). Invitae Evidence Modeling of protein sequence and biophysical properties (such as structural, functional, and spatial information, amino acid conservation, physicochemical variation, residue mobility, and thermodynamic stability) indicates that this missense variant is expected to disrupt LYST protein function with a positive predictive value of 80%. In summary, the available evidence is currently insufficient to determine the role of this variant in disease. Therefore, it has been classified as a Variant of Uncertain Significance.

Mayo Clinic Laboratories, Mayo Clinic
Classification: Uncertain significance. Last evaluated: 2025-04-28. Review status: criteria provided, single submitter. Criteria: ACMG Guidelines, 2015. Collection method: clinical testing. Allele origin: germline. Observed: 2 variant alleles.
Comment: BP4_moderate

PreventionGenetics, part of Exact Sciences
Classification: Uncertain significance for LYST-related condition. Last evaluated: 2025-03-12. Review status: criteria provided, single submitter. Criteria: ACMG Guidelines, 2015. Collection method: clinical testing. Allele origin: germline.
Comment: The LYST c.4705A>C variant is predicted to result in the amino acid substitution p.Asn1569His. To our knowledge, this variant has not been reported in the literature. This variant is reported in 0.013% of alleles in individuals of European (Non-Finnish) descent in gnomAD. At this time, the clinical significance of this variant is uncertain due to the absence of conclusive functional and genetic evidence.

Blueprint Genetics
Classification: Uncertain significance. Last evaluated: 2024-10-18. Review status: criteria provided, single submitter. Criteria: ACMG Guidelines, 2015. Collection method: clinical testing. Allele origin: germline.

Ambry Genetics
Classification: Uncertain significance for Inborn genetic diseases. Last evaluated: 2021-08-02. Review status: criteria provided, single submitter. Criteria: Ambry Variant Classification Scheme 2023. Collection method: clinical testing. Allele origin: germline.

Genome Diagnostics Laboratory, The Hospital for Sick Children
Classification: Uncertain significance for Autoinflammatory syndrome. Last evaluated: 2021-02-26. Review status: criteria provided, single submitter. Criteria: ACMG Guidelines, 2015. Collection method: clinical testing. Allele origin: germline. Affected: yes.

GeneDx
Classification: Likely benign. Last evaluated: 2021-01-29. Review status: criteria provided, single submitter. Criteria: GeneDx Variant Classification Process June 2021. Collection method: clinical testing. Allele origin: germline. Affected: yes.

Fulgent Genetics
Classification: Uncertain significance for Chédiak-Higashi syndrome. Last evaluated: 2018-10-31. Review status: criteria provided, single submitter. Criteria: ACMG Guidelines, 2015. Collection method: clinical testing. Allele origin: unknown.

Illumina Laboratory Services, Illumina
Classification: Uncertain significance for Chédiak-Higashi syndrome. Last evaluated: 2018-01-13. Review status: criteria provided, single submitter. Criteria: ICSL Variant Classification Criteria 13 December 2019. Collection method: clinical testing. Allele origin: germline.

Center for Computational Biology & Bioinformatics, University of California, San Diego
Classification: Uncertain significance for Meniere disease. Last evaluated: 2024-06-03. Review status: no assertion criteria provided. Collection method: research. Allele origin: germline. Affected: yes. Not counted in ClinVar's aggregate classification.

NM_000081.4(LYST):c.4705A>C (p.Asn1569His)

Gene: LYST (lysosomal trafficking regulator; minus strand). Cytogenetic location: 1q42.3.
Variant type: single nucleotide variant.
Coding change: c.4705A>C on transcript NM_000081.4 (MANE Select); coding-DNA position 4705, A replaced by C.
Protein change: p.Asn1569His; replaces asparagine 1569 with histidine.
Molecular consequence: missense variant.
Genome position (GRCh38, 1-based): chr1:235,787,357, T>G on the plus strand (A>C on the coding strand, the complement: LYST is on the minus strand). VCF-style: chr1-235787357-T-G. GRCh37 (hg19) VCF-style: chr1-235950657-T-G.
Other names: p.Asn1569His; c.4705A>C (NM_000081.2); c.4705A>C, p.Asn1569His (NM_001301365.1); short protein forms N1569H.
Identifiers: ClinVar variation 296395 (VCV000296395.28), dbSNP rs767687843, ClinGen allele CA1466767.